The following is an entry in ClinVar:

NM_000545.8(HNF1A):c.26A>C (p.Gln9Pro)

Gene: HNF1A (HNF1 homeobox A; plus strand). Cytogenetic location: 12q24.31.
Variant type: single nucleotide variant.
Coding change: c.26A>C on transcript NM_000545.8 (MANE Select); coding-DNA position 26, A replaced by C.
Protein change: p.Gln9Pro; replaces glutamine 9 with proline.
Molecular consequence: missense variant.
Genome position (GRCh38, 1-based): chr12:120,978,794, A>C. VCF-style: chr12-120978794-A-C. GRCh37 (hg19) VCF-style: chr12-121416597-A-C.
Other names: NM_001306179.2:c.26A>C; c.26A>C, p.Gln9Pro (NM_001306179.2); short protein forms Q9P.
Identifiers: ClinVar variation 1342958 (VCV001342958.4), dbSNP rs1876081310, ClinGen allele CA386952306.

ClinVar aggregate classification (germline): Uncertain significance (3 of 4 stars; one submission).

Conditions:
Monogenic diabetes. Identifiers: Orphanet 183625, MedGen C3888631, MONDO:0015967.

Submission:

ClinGen Monogenic Diabetes Variant Curation Expert Panel
Classification: Uncertain significance for Monogenic diabetes. Last evaluated: 2025-07-24. Review status: reviewed by expert panel. Criteria: ClinGen Diabetes ACMG Specifications HNF1A V3.0.0. Collection method: curation. Allele origin: germline. Inheritance: Autosomal dominant inheritance.
Comment: The c.26A>C variant in the HNF1 homeobox A gene, HNF1A, causes an amino acid change of glutamine to proline at codon 9 (p.(Gln9Pro)) of NM_000545.8. This variant is absent from gnomAD v4.1.0 (PM2_Supporting). Additionally, this variant is located within a dimerization domain (codons 1-32) of HNF1A, which is defined as critical for the protein’s function by the ClinGen MDEP (PM1_Supporting). This variant is predicted to be deleterious by computational evidence, with a REVEL score of 0.957, which is greater than the MDEP threshold of 0.70 (PP3). PMID: 36257325, internal lab contributors). In summary, this variant meets the criteria to be classified as a variant of uncertain significance for monogenic diabetes. ACMG/AMP criteria applied, as specified by the ClinGen MDEP (specification version 3.0.0, approved 6/30/2025: PM2_Supporting, PM1_Supporting, PP3, PP4.

Literature cited by the submitters: PubMed 36257325.